The following is an entry in ClinVar:

ClinVar aggregate classification (germline): Pathogenic/Likely pathogenic. Review status: criteria provided, multiple submitters, no conflicts (2 of 4 stars). 2 submissions from 2 submitters: Pathogenic (1); Likely pathogenic (1). Last evaluated 2024-05-02.

Conditions:
Usher syndrome type 2A. Also called: RETINAL DISEASE IN USHER SYNDROME TYPE IIA, MODIFIER OF; USHER SYNDROME, TYPE IIA. Identifiers: Orphanet 231178, Orphanet 886, MedGen C1848634, MONDO:0010169, OMIM 276901.

Submissions (2):

Natera, Inc.
Classification: Likely pathogenic for Usher syndrome type 2A. Last evaluated: 2024-05-02. Review status: criteria provided, single submitter. Criteria: Natera Variant Classification Schema (03/2026). Collection method: clinical testing. Allele origin: germline.
Comment: The c.5078G>A variant in USH2A is a nonsense variant predicted to introduce a stop codon at amino acid 1693. This variant is expected to result in nonsense mediated decay, truncation, or a dysfunctional protein product. This variant is rare in the general population with a frequency below the threshold expected for the associated phenotype(s). Given the available evidence, this variant is classified as Likely Pathogenic.

Labcorp Genetics (formerly Invitae), Labcorp
Classification: Pathogenic. Last evaluated: 2024-02-17. Review status: criteria provided, single submitter. Criteria: Invitae Variant Classification Sherloc (09022015). Collection method: clinical testing. Allele origin: germline.
Comment: This sequence change creates a premature translational stop signal (p.Trp1693*) in the USH2A gene. It is expected to result in an absent or disrupted protein product. Loss-of-function variants in USH2A are known to be pathogenic (PMID: 10729113, 10909849, 20507924, 25649381). This variant is not present in population databases (gnomAD no frequency). This premature translational stop signal has been observed in individual(s) with retinitis pigmentosa (PMID: 30948794). Algorithms developed to predict the effect of sequence changes on RNA splicing suggest that this variant may disrupt the consensus splice site. For these reasons, this variant has been classified as Pathogenic.

Literature cited by the submitters: PubMed 10729113 (cited by Labcorp Genetics (formerly Invitae), Labcorp); PubMed 10909849 (cited by Labcorp Genetics (formerly Invitae), Labcorp); PubMed 20507924 (cited by Labcorp Genetics (formerly Invitae), Labcorp); PubMed 25649381 (cited by Labcorp Genetics (formerly Invitae), Labcorp); PubMed 30948794 (cited by Labcorp Genetics (formerly Invitae), Labcorp).

NM_206933.4(USH2A):c.5078G>A (p.Trp1693Ter)

Genes: USH2A (usherin; minus strand), USH2A-AS2 (USH2A antisense RNA 2; plus strand). Cytogenetic location: 1q41.
Variant type: single nucleotide variant.
Coding change: c.5078G>A on transcript NM_206933.4 (MANE Select); coding-DNA position 5078, G replaced by A.
Protein change: p.Trp1693Ter; replaces tryptophan 1693 with a stop codon.
Molecular consequence: nonsense.
Genome position (GRCh38, 1-based): chr1:216,084,787, C>T on the plus strand (G>A on the coding strand, the complement: USH2A is on the minus strand). VCF-style: chr1-216084787-C-T. GRCh37 (hg19) VCF-style: chr1-216258129-C-T.
Other names: c.5078G>A (NM_206933.2); short protein forms W1693*.
Identifiers: ClinVar variation 3714462 (VCV003714462.3).